The following is an entry in ClinVar:

NC_012920.1(MT-CO3):m.9705A>G

Gene: MT-CO3 (mitochondrially encoded cytochrome c oxidase III; plus strand).
Variant type: single nucleotide variant.
Genome position: chrM-9705-A-G.
Identifiers: ClinVar variation 693209 (VCV000693209.1), dbSNP rs1603222440, ClinGen allele CA414803528.

ClinVar aggregate classification (germline): Uncertain significance (1 of 4 stars; one submission).

Conditions:
Leigh syndrome (NULS). Also called: Leigh's necrotizing encephalopathy; Leigh's disease; Leigh Syndrome (mtDNA deletion); Leigh Disease; Subacute necrotizing encephalopathy; Necrotizing encephalopathy infantile subacute of Leigh. Identifiers: Orphanet 506, MedGen C2931891, MONDO:0009723, OMIM 256000.

Submission:

Wong Mito Lab, Molecular and Human Genetics, Baylor College of Medicine
Classification: Uncertain significance for Leigh syndrome. Last evaluated: 2019-10-17. Review status: criteria provided, single submitter. Criteria: Modified ACMG Guidelines (Unpublished). Collection method: clinical testing. Allele origin: germline.
Comment: The NC_012920.1:m.9705A>G (YP_003024032.1:p.Ile167Val) variant in MTCO3 gene is interpretated to be a Uncertain Significance variant based on the modified ACMG guidelines (unpublished). This variant meets the following evidence codes: no criteria